The following is an entry in ClinVar:

ClinVar aggregate classification (germline): Uncertain significance (1 of 4 stars; one submission).

Conditions:
Congenital myasthenic syndrome 2A. Also called: Myasthenic syndrome, congenital, 2a, slow-channel. Identifiers: Orphanet 590, MedGen C4225374, MONDO:0014581, OMIM 616313.

Allele frequency attached by ClinVar (database versions not stated): gnomAD exomes below 0.00001.

Submission:

Labcorp Genetics (formerly Invitae), Labcorp
Classification: Uncertain significance for Congenital myasthenic syndrome 2A. Last evaluated: 2024-01-07. Review status: criteria provided, single submitter. Criteria: Invitae Variant Classification Sherloc (09022015). Collection method: clinical testing. Allele origin: germline.
Comment: This sequence change replaces serine, which is neutral and polar, with proline, which is neutral and non-polar, at codon 412 of the CHRNB1 protein (p.Ser412Pro). This variant is not present in population databases (gnomAD no frequency). This variant has not been reported in the literature in individuals affected with CHRNB1-related conditions. Advanced modeling of protein sequence and biophysical properties (such as structural, functional, and spatial information, amino acid conservation, physicochemical variation, residue mobility, and thermodynamic stability) performed at Invitae indicates that this missense variant is not expected to disrupt CHRNB1 protein function with a negative predictive value of 95%. In summary, the available evidence is currently insufficient to determine the role of this variant in disease. Therefore, it has been classified as a Variant of Uncertain Significance.

NM_000747.3(CHRNB1):c.1234T>C (p.Ser412Pro)

Gene: CHRNB1 (cholinergic receptor nicotinic beta 1 subunit; plus strand). Cytogenetic location: 17p13.1.
Variant type: single nucleotide variant.
Coding change: c.1234T>C on transcript NM_000747.3 (MANE Select); coding-DNA position 1234, T replaced by C.
Protein change: p.Ser412Pro; replaces serine 412 with proline.
Molecular consequence: missense variant.
Genome position (GRCh38, 1-based): chr17:7,455,810, T>C. VCF-style: chr17-7455810-T-C. GRCh37 (hg19) VCF-style: chr17-7359129-T-C.
Other names: short protein forms S412P.
Identifiers: ClinVar variation 2907166 (VCV002907166.3), dbSNP rs2069943964, ClinGen allele CA397802138.